The following is an entry in ClinVar:

ClinVar aggregate classification (germline): Uncertain significance (1 of 4 stars; one submission).

Allele frequency attached by ClinVar (database versions not stated): gnomAD exomes below 0.00001; gnomAD 0.00001.
gnomAD v4.1: 5 of 1,610,086 alleles (0.00031%); highest among the groups gnomAD compares: Non-Finnish European, 0.00042%; no homozygotes.

Submission:

Labcorp Genetics (formerly Invitae), Labcorp
Classification: Uncertain significance. Last evaluated: 2021-08-14. Review status: criteria provided, single submitter. Criteria: Invitae Variant Classification Sherloc (09022015). Collection method: clinical testing. Allele origin: germline.
Comment: This sequence change replaces glutamic acid with aspartic acid at codon 244 of the SCLT1 protein (p.Glu244Asp). The glutamic acid residue is highly conserved and there is a small physicochemical difference between glutamic acid and aspartic acid. This variant is not present in population databases (ExAC no frequency). This variant has not been reported in the literature in individuals affected with SCLT1-related conditions. Algorithms developed to predict the effect of missense changes on protein structure and function output the following: SIFT: "Tolerated"; PolyPhen-2: "Benign"; Align-GVGD: "Class C0". The aspartic acid amino acid residue is found in multiple mammalian species, which suggests that this missense change does not adversely affect protein function. In summary, the available evidence is currently insufficient to determine the role of this variant in disease. Therefore, it has been classified as a Variant of Uncertain Significance.

NM_144643.4(SCLT1):c.732G>C (p.Glu244Asp)

Gene: SCLT1 (sodium channel and clathrin linker 1; minus strand). Cytogenetic location: 4q28.2.
Variant type: single nucleotide variant.
Coding change: c.732G>C on transcript NM_144643.4 (MANE Select); coding-DNA position 732, G replaced by C.
Protein change: p.Glu244Asp; replaces glutamic acid 244 with aspartic acid.
Molecular consequence: missense variant.
Genome position (GRCh38, 1-based): chr4:128,970,423, C>G on the plus strand (G>C on the coding strand, the complement: SCLT1 is on the minus strand). VCF-style: chr4-128970423-C-G. GRCh37 (hg19) VCF-style: chr4-129891578-C-G.
Other names: short protein forms E244D.
Identifiers: ClinVar variation 1504758 (VCV001504758.5), dbSNP rs1243144422, ClinGen allele CA358189305.